The following is an entry in ClinVar:

ClinVar aggregate classification (germline): Pathogenic. Review status: criteria provided, multiple submitters, no conflicts (2 of 4 stars). 2 submissions from 2 submitters: Pathogenic (2). Last evaluated 2024-10-17.

Conditions:
Muscular dystrophy-dystroglycanopathy (congenital with brain and eye anomalies), type A2. Also called: MUSCULAR DYSTROPHY-DYSTROGLYCANOPATHY (CONGENITAL WITH BRAIN AND EYE ANOMALIES), TYPE A, 2; WALKER-WARBURG SYNDROME OR MUSCLE-EYE-BRAIN DISEASE, POMT2-RELATED. Identifiers: Orphanet 588, Orphanet 899, MedGen C3150411, MONDO:0013154, OMIM 613150.
Muscular dystrophy-dystroglycanopathy (congenital with impaired intellectual development), type B, 2. Also called: Muscular dystrophy-dystroglycanopathy (congenital with intellectual disability), type B2; MUSCULAR DYSTROPHY, CONGENITAL, POMT2-RELATED. Identifiers: MedGen C3150416, MONDO:0013160, OMIM 613156.
Autosomal recessive limb-girdle muscular dystrophy type 2N. Also called: Muscular dystrophy-dystroglycanopathy (limb-girdle), type C, 2; MUSCULAR DYSTROPHY-DYSTROGLYCANOPATHY, LIMB-GIRDLE, POMT2-RELATED. Identifiers: Orphanet 206559, MedGen C3150418, MONDO:0013162, OMIM 613158.

Allele frequency attached by ClinVar (database versions not stated): ExAC 0.00002; gnomAD exomes below 0.00001; gnomAD 0.00001; TOPMed 0.00001.
gnomAD v4.1: 4 of 1,612,484 alleles (0.00025%); highest among the groups gnomAD compares: African/African-American, 0.0027%; no homozygotes.

Submissions (2):

Labcorp Genetics (formerly Invitae), Labcorp
Classification: Pathogenic for Muscular dystrophy-dystroglycanopathy (congenital with impaired intellectual development), type B, 2; Muscular dystrophy-dystroglycanopathy (congenital with brain and eye anomalies), type A2; Autosomal recessive limb-girdle muscular dystrophy type 2N. Last evaluated: 2024-10-17. Review status: criteria provided, single submitter. Criteria: Invitae Variant Classification Sherloc (09022015). Collection method: clinical testing. Allele origin: germline.
Comment: This sequence change creates a premature translational stop signal (p.Tyr213*) in the POMT2 gene. It is expected to result in an absent or disrupted protein product. Loss-of-function variants in POMT2 are known to be pathogenic (PMID: 15894594). This variant is present in population databases (rs764878423, gnomAD 0.007%). This variant has not been reported in the literature in individuals affected with POMT2-related conditions. ClinVar contains an entry for this variant (Variation ID: 500611). For these reasons, this variant has been classified as Pathogenic.

Eurofins Ntd Llc (ga)
Classification: Pathogenic. Last evaluated: 2017-02-28. Review status: criteria provided, single submitter. Criteria: EGL Classification Definitions 2015. Collection method: clinical testing. Allele origin: germline. Observed: 1 variant allele, 1 heterozygote.

Literature cited by the submitters: PubMed 15894594 (cited by Labcorp Genetics (formerly Invitae), Labcorp).

NM_013382.7(POMT2):c.639C>A (p.Tyr213Ter)

Gene: POMT2 (protein O-mannosyltransferase 2; minus strand). Cytogenetic location: 14q24.3.
Variant type: single nucleotide variant.
Coding change: c.639C>A on transcript NM_013382.7 (MANE Select); coding-DNA position 639, C replaced by A.
Protein change: p.Tyr213Ter; replaces tyrosine 213 with a stop codon.
Molecular consequence: nonsense.
Genome position (GRCh38, 1-based): chr14:77,302,852, G>T on the plus strand (C>A on the coding strand, the complement: POMT2 is on the minus strand). VCF-style: chr14-77302852-G-T. GRCh37 (hg19) VCF-style: chr14-77769195-G-T.
Other names: short protein forms Y213*.
Identifiers: ClinVar variation 500611 (VCV000500611.8), dbSNP rs764878423, ClinGen allele CA7286143.